The following is an entry in ClinVar:

ClinVar aggregate classification (germline): Likely benign (1 of 4 stars; one submission).

Allele frequency attached by ClinVar (database versions not stated): ExAC 0.00001; gnomAD exomes 0.00004.
gnomAD v4.1: 63 of 1,613,934 alleles (0.0039%); highest among the groups gnomAD compares: Non-Finnish European, 0.0047%; no homozygotes.

Submission:

CeGaT Center for Human Genetics Tuebingen
Classification: Likely benign. Last evaluated: 2024-04-01. Review status: criteria provided, single submitter. Criteria: CeGaT Center For Human Genetics Tuebingen Variant Classification Criteria Version 2. Collection method: clinical testing. Allele origin: germline. Affected: yes. Observed: 1 variant allele.
Comment: CHD3: BP4, BP7

NM_001005273.3(CHD3):c.3051G>A (p.Ser1017=)

Gene: CHD3 (chromodomain helicase DNA binding protein 3; plus strand). Cytogenetic location: 17p13.1.
Variant type: single nucleotide variant.
Coding change: c.3051G>A on transcript NM_001005273.3 (MANE Select); coding-DNA position 3051, G replaced by A.
Protein change: p.Ser1017=; no amino-acid change (serine 1017 retained).
Molecular consequence: synonymous variant.
Genome position (GRCh38, 1-based): chr17:7,900,924, G>A. VCF-style: chr17-7900924-G-A. GRCh37 (hg19) VCF-style: chr17-7804242-G-A.
Other names: c.3228G>A, p.Ser1076= (NM_001005271.3); c.3051G>A, p.Ser1017= (NM_005852.4).
Identifiers: ClinVar variation 3234570 (VCV003234570.20), dbSNP rs61753145, ClinGen allele CA8362989.